The following is an entry in ClinVar:

NM_005026.5(PIK3CD):c.1915G>A (p.Ala639Thr)

Gene: PIK3CD (phosphatidylinositol-4,5-bisphosphate 3-kinase catalytic subunit delta; plus strand). Cytogenetic location: 1p36.22.
Variant type: single nucleotide variant.
Coding change: c.1915G>A on transcript NM_005026.5 (MANE Select); coding-DNA position 1915, G replaced by A.
Protein change: p.Ala639Thr; replaces alanine 639 with threonine.
Molecular consequence: missense variant.
Genome position (GRCh38, 1-based): chr1:9,721,547, G>A. VCF-style: chr1-9721547-G-A. GRCh37 (hg19) VCF-style: chr1-9781605-G-A.
Other names: c.1912G>A, p.Ala638Thr (NM_001350234.2); c.1828G>A, p.Ala610Thr (NM_001350235.1); short protein forms A610T, A639T, A638T.
Identifiers: ClinVar variation 2782652 (VCV002782652.3), dbSNP rs868613820, ClinGen allele CA17780963.

ClinVar aggregate classification (germline): Uncertain significance (1 of 4 stars; one submission).

Conditions:
Immunodeficiency 14 (IMD14A). Also called: p110-DELTA-ACTIVATING MUTATION CAUSING SENESCENT T CELLS, LYMPHADENOPATHY, AND IMMUNODEFICIENCY; IMMUNODEFICIENCY 14A WITH LYMPHOPROLIFERATION, AUTOSOMAL DOMINANT; ACTIVATED PI3K-DELTA SYNDROME 1; Activated PI3K Delta Syndrome Type 1 (APDS1). Identifiers: Orphanet 397596, Orphanet 693661, MedGen C5907821, MONDO:0014222, OMIM 615513.

Allele frequency attached by ClinVar (database versions not stated): gnomAD exomes below 0.00001.
gnomAD v4.1: 1 of 1,613,704 alleles (0.000062%); highest among the groups gnomAD compares: Non-Finnish European, 0.000085%; no homozygotes.

Submission:

Labcorp Genetics (formerly Invitae), Labcorp
Classification: Uncertain significance for Activated PI3K-delta syndrome. Last evaluated: 2023-05-27. Review status: criteria provided, single submitter. Criteria: Invitae Variant Classification Sherloc (09022015). Collection method: clinical testing. Allele origin: germline.
Comment: This sequence change replaces alanine, which is neutral and non-polar, with threonine, which is neutral and polar, at codon 639 of the PIK3CD protein (p.Ala639Thr). This variant is not present in population databases (gnomAD no frequency). This variant has not been reported in the literature in individuals affected with PIK3CD-related conditions. Advanced modeling of protein sequence and biophysical properties (such as structural, functional, and spatial information, amino acid conservation, physicochemical variation, residue mobility, and thermodynamic stability) performed at Invitae indicates that this missense variant is not expected to disrupt PIK3CD protein function. In summary, the available evidence is currently insufficient to determine the role of this variant in disease. Therefore, it has been classified as a Variant of Uncertain Significance.